The following is an entry in ClinVar:

ClinVar aggregate classification (germline): Uncertain significance (1 of 4 stars; one submission).

Conditions:
Hereditary cancer-predisposing syndrome. Also called: Neoplastic Syndromes, Hereditary; Tumor predisposition; Hereditary Cancer Syndrome; Hereditary neoplastic syndrome. Identifiers: Orphanet 140162, MedGen C0027672, MeSH D009386, MONDO:0015356.

Submission:

Ambry Genetics
Classification: Uncertain significance for Hereditary cancer-predisposing syndrome. Last evaluated: 2022-01-19. Review status: criteria provided, single submitter. Criteria: Ambry Variant Classification Scheme 2023. Collection method: clinical testing. Allele origin: germline.
Comment: The p.C420G variant (also known as c.1258T>G), located in coding exon 9 of the APC gene, results from a T to G substitution at nucleotide position 1258. The cysteine at codon 420 is replaced by glycine, an amino acid with highly dissimilar properties. This amino acid position is conserved. In addition, in silico predictors for this gene do not accurately predict pathogenicity. Since supporting evidence is limited at this time, the clinical significance of this alteration remains unclear.

NM_000038.6(APC):c.1258T>G (p.Cys420Gly)

Gene: APC (APC regulator of Wnt signaling pathway; plus strand). Cytogenetic location: 5q22.2.
Variant type: single nucleotide variant.
Coding change: c.1258T>G on transcript NM_000038.6 (MANE Select); coding-DNA position 1258, T replaced by G.
Protein change: p.Cys420Gly; replaces cysteine 420 with glycine.
Molecular consequence: missense variant.
Genome position (GRCh38, 1-based): chr5:112,819,290, T>G. VCF-style: chr5-112819290-T-G. GRCh37 (hg19) VCF-style: chr5-112154987-T-G.
Other names: c.1258T>G, p.Cys420Gly (NM_001127510.3, NM_001354895.2, NM_001354896.2 and 4 more transcripts); c.1204T>G, p.Cys402Gly (NM_001127511.3); c.1288T>G, p.Cys430Gly (NM_001354897.2, NM_001407446.1); c.1183T>G, p.Cys395Gly (NM_001354898.2, NM_001407451.1); c.1174T>G, p.Cys392Gly (NM_001354899.2, NM_001407452.1); c.1081T>G, p.Cys361Gly (NM_001354900.2, NM_001354901.2, NM_001407453.1); c.985T>G, p.Cys329Gly (NM_001354902.2); c.955T>G, p.Cys319Gly (NM_001354903.2, NM_001407454.1, NM_001407455.1 and 5 more transcripts); and 5 more; short protein forms C137G, C329G, C260G, C395G, C420G, C291G, C294G, C361G.
Identifiers: ClinVar variation 1762433 (VCV001762433.2), dbSNP rs2149783362, ClinGen allele CA16024056.